The following is an entry in ClinVar:

ClinVar aggregate classification (germline): Pathogenic (1 of 4 stars; one submission).

Conditions:
Hereditary cancer-predisposing syndrome. Also called: Tumor predisposition; Hereditary neoplastic syndrome; Hereditary Cancer Syndrome; Neoplastic Syndromes, Hereditary. Identifiers: Orphanet 140162, MedGen C0027672, MeSH D009386, MONDO:0015356.

Submission:

Ambry Genetics
Classification: Pathogenic for Hereditary cancer-predisposing syndrome. Last evaluated: 2026-03-12. Review status: criteria provided, single submitter. Criteria: Ambry Variant Classification Scheme 2023. Collection method: clinical testing. Allele origin: germline.
Comment: The c.7367_7370delAAGA variant, located in coding exon 49 of the ATM gene, results from a deletion of 4 nucleotides at nucleotide positions 7367 to 7370, causing a translational frameshift with a predicted alternate stop codon (p.K2456Rfs*19). This variant is considered to be rare based on population cohorts in the Genome Aggregation Database (gnomAD). This alteration is expected to result in loss of function by premature protein truncation or nonsense-mediated mRNA decay. As such, this alteration is interpreted as a disease-causing mutation.

NM_000051.4(ATM):c.7367_7370del (p.Lys2456fs)

Genes: ATM (ATM serine/threonine kinase; plus strand), C11orf65 (chromosome 11 open reading frame 65; minus strand). Cytogenetic location: 11q22.3.
Variant type: Deletion.
Coding change: c.7367_7370del on transcript NM_000051.4 (MANE Select); coding-DNA positions 7367 to 7370, 4 bases deleted (AAGA; older notation c.7367_7370delAAGA).
Protein change: p.Lys2456fs; shifts the reading frame from lysine 2456.
Molecular consequence: frameshift variant. On other transcripts: intron variant (2).
Genome position (GRCh38, 1-based): chr11:108,330,273-108,330,276, AAGA deleted; deleting any 4 consecutive bases within chr11:108,330,271-108,330,276 gives the same sequence; the c. name uses the placement nearest the transcript's 3' end. VCF-style (leftmost placement, unchanged base first): chr11-108330270-TGAAA-T. GRCh37 (hg19) VCF-style: chr11-108200997-TGAAA-T.
Other names: c.7367_7370del, p.Lys2456fs (NM_001351834.2); c.641-21203_641-21200del (NM_001330368.2); c.*38+4946_*38+4949del (NM_001351110.2); short protein forms K2456fs.
Identifiers: ClinVar variation 4827604 (VCV004827604.1).